The following is an entry in ClinVar:

ClinVar aggregate classification (germline): Benign (1 of 4 stars; one submission).

Allele frequency attached by ClinVar (database versions not stated): 1000 Genomes Project 0.24361; 1000 Genomes Project 30x 0.24828; gnomAD exomes 0.33237; gnomAD 0.34450 and 0.35382; TOPMed 0.34704.
gnomAD v4.1: 517,279 of 1,552,210 alleles (33%); highest among the groups gnomAD compares: African/African-American, 41%; 90,176 homozygotes.

Submission:

GeneDx
Classification: Benign. Last evaluated: 2018-06-14. Review status: criteria provided, single submitter. Criteria: GeneDx Variant Classification (06012015). Collection method: clinical testing. Allele origin: germline. Affected: yes.
Comment: This variant is considered likely benign or benign based on one or more of the following criteria: it is a conservative change, it occurs at a poorly conserved position in the protein, it is predicted to be benign by multiple in silico algorithms, and/or has population frequency not consistent with disease.

NM_006073.4(TRDN):c.23-60C>T

Gene: TRDN (triadin; minus strand). Cytogenetic location: 6q22.31.
Variant type: single nucleotide variant.
Coding change: c.23-60C>T on transcript NM_006073.4 (MANE Select); 60 bases into the intron before coding-DNA position 23, C replaced by T.
Molecular consequence: intron variant.
Genome position (GRCh38, 1-based): chr6:123,571,192, G>A on the plus strand (C>T on the coding strand, the complement: TRDN is on the minus strand). VCF-style: chr6-123571192-G-A. GRCh37 (hg19) VCF-style: chr6-123892337-G-A.
Other names: c.23-60C>T (NM_001251987.2, NM_001256020.2, NM_001256021.2 and 1 more transcripts).
Identifiers: ClinVar variation 674844 (VCV000674844.1), dbSNP rs2295732, ClinGen allele CA15422798.